The following is an entry in ClinVar:

ClinVar aggregate classification (germline): Conflicting classifications of pathogenicity. Review status: criteria provided, conflicting classifications (1 of 4 stars). 4 submissions from 4 submitters: Uncertain significance (2); Likely benign (1). 1 of the submissions does not count toward it. Last evaluated 2025-11-06.

Conditions:
Sotos syndrome (SOTOS). Also called: Distinctive facial appearance, overgrowth in childhood, and learning disabilities or delayed development; CEREBRAL GIGANTISM; Sotos' syndrome; CHROMOSOME 5q35 DELETION SYNDROME; SOTOS SYNDROME 1. Identifiers: Orphanet 821, MedGen C0175695, MONDO:0019349, OMIM 117550.
NSD1-related disorder. Also called: NSD1-related condition.

Allele frequency attached by ClinVar (database versions not stated): gnomAD exomes 0.00001 and 0.00003; TOPMed 0.00001; ExAC 0.00003.
gnomAD v4.1: 18 of 1,613,882 alleles (0.0011%); highest among the groups gnomAD compares: Admixed American, 0.0033%; no homozygotes.

Submissions (4):

Labcorp Genetics (formerly Invitae), Labcorp
Classification: Likely benign. Last evaluated: 2025-11-06. Review status: criteria provided, single submitter. Criteria: Invitae Variant Classification Sherloc (09022015). Collection method: clinical testing. Allele origin: germline.

Fulgent Genetics
Classification: Uncertain significance for Sotos syndrome. Last evaluated: 2021-07-08. Review status: criteria provided, single submitter. Criteria: ACMG Guidelines, 2015. Collection method: clinical testing. Allele origin: unknown.

Genetic Services Laboratory, University of Chicago
Classification: Uncertain significance for Sotos syndrome 1. Last evaluated: 2013-02-08. Review status: criteria provided, single submitter. Criteria: ACMG Guidelines, 2007. Collection method: clinical testing. Allele origin: germline. Inheritance: Autosomal dominant inheritance.

PreventionGenetics, part of Exact Sciences
Classification: Likely benign for NSD1-related condition. Last evaluated: 2022-09-20. Review status: no assertion criteria provided. Collection method: clinical testing. Allele origin: germline. Not counted in ClinVar's aggregate classification.
Comment: This variant is classified as likely benign based on ACMG/AMP sequence variant interpretation guidelines (Richards et al. 2015 PMID: 25741868, with internal and published modifications).

NM_022455.5(NSD1):c.1224A>G (p.Gly408=)

Gene: NSD1 (nuclear receptor binding SET domain protein 1; plus strand). Cytogenetic location: 5q35.3.
Variant type: single nucleotide variant.
Coding change: c.1224A>G on transcript NM_022455.5 (MANE Select); coding-DNA position 1224, A replaced by G.
Protein change: p.Gly408=; no amino-acid change (glycine 408 retained).
Molecular consequence: synonymous variant.
Genome position (GRCh38, 1-based): chr5:177,204,280, A>G. VCF-style: chr5-177204280-A-G. GRCh37 (hg19) VCF-style: chr5-176631281-A-G.
Other names: c.351A>G, p.Gly117= (NM_001365684.2, NM_001409306.1, NM_001409307.1 and 3 more transcripts); c.1224A>G, p.Gly408= (NM_001409301.1, NM_001409302.1, NM_001409303.1); c.804A>G, p.Gly268= (NM_001409304.1); c.471A>G, p.Gly157= (NM_001409305.1).
Identifiers: ClinVar variation 159261 (VCV000159261.12), dbSNP rs587784069, ClinGen allele CA294786.